The following is an entry in ClinVar:

NM_030662.4(MAP2K2):c.768C>G (p.Ser256=)

Gene: MAP2K2 (mitogen-activated protein kinase kinase 2; minus strand). Cytogenetic location: 19p13.3.
Variant type: single nucleotide variant.
Coding change: c.768C>G on transcript NM_030662.4 (MANE Select); coding-DNA position 768, C replaced by G.
Protein change: p.Ser256=; no amino-acid change (serine 256 retained).
Molecular consequence: synonymous variant.
Genome position (GRCh38, 1-based): chr19:4,099,352, G>C on the plus strand (C>G on the coding strand, the complement: MAP2K2 is on the minus strand). VCF-style: chr19-4099352-G-C. GRCh37 (hg19) VCF-style: chr19-4099350-G-C.
Identifiers: ClinVar variation 1642847 (VCV001642847.22), dbSNP rs774404449, ClinGen allele CA9090833.
Genomic context (GRCh38, chr19:4,099,352, plus strand): 5'-CTCCAGCTCTTTGGCGTCGGGCGGGGGGATGGGGTACCTTCCGACGGCCAGCTCCACCAG[G>C]GACAGGCCCATGCTCCAGATGTCCGACTGCACCGAGTAATGTGTGCCCTGCAACCGCTCC-3'
Protein context (NP_109587.1, residues 246-266): VQSDIWSMGL[Ser256=]LVELAVGRYP

ClinVar aggregate classification (germline): Likely benign. Review status: criteria provided, multiple submitters, no conflicts (2 of 4 stars). 2 submissions from 2 submitters: Likely benign (2). Last evaluated 2024-09-01.

Conditions:
RASopathy. Also called: Noonan spectrum disorder; rasopathies. Identifiers: Orphanet 536391, MedGen C5555857, MONDO:0021060.

Allele frequency attached by ClinVar (database versions not stated): gnomAD exomes below 0.00001; TOPMed below 0.00001; ExAC 0.00001.
gnomAD v4.1: 6 of 1,611,822 alleles (0.00037%); highest among the groups gnomAD compares: Non-Finnish European, 0.00042%; no homozygotes.

Submissions (2):

CeGaT Center for Human Genetics Tuebingen
Classification: Likely benign. Last evaluated: 2024-09-01. Review status: criteria provided, single submitter. Criteria: CeGaT Center For Human Genetics Tuebingen Variant Classification Criteria Version 2. Collection method: clinical testing. Allele origin: germline. Affected: yes. Observed: 1 variant allele.
Comment: MAP2K2: BP4, BP7

Labcorp Genetics (formerly Invitae), Labcorp
Classification: Likely benign for RASopathy. Last evaluated: 2024-01-03. Review status: criteria provided, single submitter. Criteria: Invitae Variant Classification Sherloc (09022015). Collection method: clinical testing. Allele origin: germline.